The following is an entry in ClinVar:

ClinVar aggregate classification (germline): Pathogenic (1 of 4 stars; one submission).

Conditions:
Hypohidrotic X-linked ectodermal dysplasia (XHED). Also called: Anhidrotic ectodermal dysplasia X-linked; Christ Siemens Touraine syndrome; ECTODERMAL DYSPLASIA 1, HYPOHIDROTIC, X-LINKED; Christ-Siemans-Touraine syndrome; ECTODERMAL DYSPLASIA 1; ECTODERMAL DYSPLASIA 1, HYPOHIDROTIC/HAIR/TOOTH TYPE, X-LINKED. Identifiers: Orphanet 181, Orphanet 238468, MedGen C0162359, MONDO:0010585, OMIM 305100.

Submission:

Labcorp Genetics (formerly Invitae), Labcorp
Classification: Pathogenic for Hypohidrotic X-linked ectodermal dysplasia. Last evaluated: 2018-11-13. Review status: criteria provided, single submitter. Criteria: Invitae Variant Classification Sherloc (09022015). Collection method: clinical testing. Allele origin: germline.
Comment: For these reasons, this variant has been classified as Pathogenic. Nucleotide substitutions within the consensus splice site are a relatively common cause of aberrant splicing (PMID: 17576681, 9536098). Algorithms developed to predict the effect of sequence changes on RNA splicing suggest that this variant may disrupt the consensus splice site, but this prediction has not been confirmed by published transcriptional studies. This variant has been observed to segregate with ectodermal dysplasia in a family (Invitae). This variant is not present in population databases (ExAC no frequency). This sequence change falls in intron 4 of the EDA gene. It does not directly change the encoded amino acid sequence of the EDA protein, but it affects a nucleotide within the consensus splice site of the intron.

Literature cited by the submitters: PubMed 17576681; PubMed 9536098.

NM_001399.5(EDA):c.706+5G>T

Gene: EDA (ectodysplasin A; plus strand). Cytogenetic location: Xq13.1.
Variant type: single nucleotide variant.
Coding change: c.706+5G>T on transcript NM_001399.5 (MANE Select); 5 bases into the intron after coding-DNA position 706, G replaced by T.
Molecular consequence: intron variant.
Genome position (GRCh38, 1-based): chrX:70,028,041, G>T. VCF-style: chrX-70028041-G-T. GRCh37 (hg19) VCF-style: chrX-69247891-G-T.
Other names: c.706+5G>T (NM_001005609.2, NM_001005612.3).
Identifiers: ClinVar variation 654168 (VCV000654168.8), dbSNP rs780966428, ClinGen allele CA915951154.